The following is an entry in ClinVar:

ClinVar aggregate classification (germline): Uncertain significance. Review status: criteria provided, multiple submitters, no conflicts (2 of 4 stars). 2 submissions from 2 submitters: Uncertain significance (2). Last evaluated 2025-09-03.

Allele frequency attached by ClinVar (database versions not stated): TOPMed below 0.00001; gnomAD 0.00001; gnomAD exomes 0.00001; ExAC 0.00002; ESP Exome Variant Server 0.00008.
gnomAD v4.1: 11 of 1,608,914 alleles (0.00068%); highest among the groups gnomAD compares: Middle Eastern, 0.017%; no homozygotes.

Submissions (2):

Labcorp Genetics (formerly Invitae), Labcorp
Classification: Uncertain significance. Last evaluated: 2025-09-03. Review status: criteria provided, single submitter. Criteria: Invitae Variant Classification Sherloc (09022015). Collection method: clinical testing. Allele origin: germline.
Comment: This sequence change replaces proline, which is neutral and non-polar, with alanine, which is neutral and non-polar, at codon 1232 of the SORL1 protein (p.Pro1232Ala). This variant is present in population databases (rs144535605, gnomAD 0.005%). This variant has not been reported in the literature in individuals affected with SORL1-related conditions. ClinVar contains an entry for this variant (Variation ID: 2971378). An algorithm developed to predict the effect of missense changes on protein structure and function (PolyPhen-2) suggests that this variant is likely to be tolerated. In summary, the available evidence is currently insufficient to determine the role of this variant in disease. Therefore, it has been classified as a Variant of Uncertain Significance.

Blueprint Genetics
Classification: Uncertain significance. Last evaluated: 2021-01-19. Review status: criteria provided, single submitter. Criteria: ACMG Guidelines, 2015. Collection method: clinical testing. Allele origin: germline.

NM_003105.6(SORL1):c.3694C>G (p.Pro1232Ala)

Gene: SORL1 (sortilin related receptor 1; plus strand). Cytogenetic location: 11q24.1.
Variant type: single nucleotide variant.
Coding change: c.3694C>G on transcript NM_003105.6 (MANE Select); coding-DNA position 3694, C replaced by G.
Protein change: p.Pro1232Ala; replaces proline 1232 with alanine.
Molecular consequence: missense variant.
Genome position (GRCh38, 1-based): chr11:121,583,571, C>G. VCF-style: chr11-121583571-C-G. GRCh37 (hg19) VCF-style: chr11-121454280-C-G.
Other names: short protein forms P1232A.
Identifiers: ClinVar variation 2971378 (VCV002971378.4), dbSNP rs144535605, ClinGen allele CA6329353.
Genomic context (GRCh38, chr11:121,583,571, plus strand): 5'-ATCCCCCAGCGGTGGGCGTGTGACGGGGATACGGACTGCCAGGATGGTTCCGATGAGGAT[C>G]CAGTCAACTGTGGTAAATGCAAATTCCCCAGCTCCCTCCCTGAGCCTCCCCAGTGTCTGC-3'
Protein context (NP_003096.2, residues 1222-1242): TDCQDGSDED[Pro1232Ala]VNCEKKCNGF